The following is an entry in ClinVar:

NC_000016.9:g.(?_148123)_(148319_?)del

Gene: NPRL3 (NPR3 like, GATOR1 complex subunit; minus strand). Cytogenetic location: 16p13.3.
Variant type: Deletion.
Identifiers: ClinVar variation 3243547 (VCV003243547.1).

ClinVar aggregate classification (germline): Pathogenic (1 of 4 stars; one submission).

Conditions:
Epilepsy, familial focal, with variable foci 3 (FFEVF3). Identifiers: MedGen C4310708, MONDO:0014925, OMIM 617118.

Submission:

Labcorp Genetics (formerly Invitae), Labcorp
Classification: Pathogenic for Epilepsy, familial focal, with variable foci 3. Last evaluated: 2023-07-25. Review status: criteria provided, single submitter. Criteria: Invitae Variant Classification Sherloc (09022015). Collection method: clinical testing. Allele origin: unknown.
Comment: For these reasons, this variant has been classified as Pathogenic. This variant has not been reported in the literature in individuals affected with NPRL3-related conditions. This variant is a gross deletion of the genomic region encompassing exon(s) 9 of the NPRL3 gene. This deletion is out-of-frame, and is expected to create a premature termination codon and result in an absent or disrupted protein product. Loss-of-function variants in NPRL3 are known to be pathogenic (PMID: 26285051, 26505888).

Literature cited by the submitters: PubMed 26285051; PubMed 26505888.